The following is an entry in ClinVar:

NM_005120.3(MED12):c.3985C>G (p.Arg1329Gly)

Gene: MED12 (mediator complex subunit 12; plus strand). Cytogenetic location: Xq13.1.
Variant type: single nucleotide variant.
Coding change: c.3985C>G on transcript NM_005120.3 (MANE Select); coding-DNA position 3985, C replaced by G.
Protein change: p.Arg1329Gly; replaces arginine 1329 with glycine.
Molecular consequence: missense variant.
Genome position (GRCh38, 1-based): chrX:71,130,152, C>G. VCF-style: chrX-71130152-C-G. GRCh37 (hg19) VCF-style: chrX-70350002-C-G.
Other names: short protein forms R1329G.
Identifiers: ClinVar variation 848770 (VCV000848770.12), dbSNP rs766827969, ClinGen allele CA10444571.

ClinVar aggregate classification (germline): Conflicting classifications of pathogenicity. Review status: criteria provided, conflicting classifications (1 of 4 stars). 2 submissions from 2 submitters: Uncertain significance (1); Likely benign (1). Last evaluated 2025-09-08.

Conditions:
FG syndrome (FGS). Identifiers: MedGen C0220769, MONDO:0002010.
Familial thoracic aortic aneurysm and aortic dissection (TAAD). Also called: Thoracic aortic aneurysms and dissections. Identifiers: Orphanet 91387, MedGen C4707243, MONDO:0019625.

Allele frequency attached by ClinVar (database versions not stated): ExAC 0.00001; gnomAD exomes 0.00002; TOPMed 0.00002; gnomAD 0.00003.
gnomAD v4.1: 13 of 1,208,782 alleles (0.0011%); highest among the groups gnomAD compares: Non-Finnish European, 0.0015%; no homozygotes.

Submissions (2):

Labcorp Genetics (formerly Invitae), Labcorp
Classification: Likely benign for FG syndrome. Last evaluated: 2025-09-08. Review status: criteria provided, single submitter. Criteria: Invitae Variant Classification Sherloc (09022015). Collection method: clinical testing. Allele origin: germline.

Ambry Genetics
Classification: Uncertain significance for Familial thoracic aortic aneurysm and aortic dissection. Last evaluated: 2023-05-17. Review status: criteria provided, single submitter. Criteria: Ambry Variant Classification Scheme 2023. Collection method: clinical testing. Allele origin: germline.
Comment: The p.R1329G variant (also known as c.3985C>G), located in coding exon 28 of the MED12 gene, results from a C to G substitution at nucleotide position 3985. The arginine at codon 1329 is replaced by glycine, an amino acid with dissimilar properties. Based on data from gnomAD, the G allele has an overall frequency of 0.002% (4/198121) total alleles studied, with 1 hemizygote observed. The highest observed frequency was 0.003% (3/89384) of European (non-Finnish) alleles. This amino acid position is conserved. In addition, this alteration is predicted to be tolerated by in silico analysis. Since supporting evidence is limited at this time, the clinical significance of this alteration remains unclear.